The following is an entry in ClinVar:

NM_005876.5(SPEG):c.1702C>G (p.Pro568Ala)

Gene: SPEG (striated muscle enriched protein kinase; plus strand). Cytogenetic location: 2q35.
Variant type: single nucleotide variant.
Coding change: c.1702C>G on transcript NM_005876.5 (MANE Select); coding-DNA position 1702, C replaced by G.
Protein change: p.Pro568Ala; replaces proline 568 with alanine.
Molecular consequence: missense variant.
Genome position (GRCh38, 1-based): chr2:219,448,860, C>G. VCF-style: chr2-219448860-C-G. GRCh37 (hg19) VCF-style: chr2-220313582-C-G.
Other names: short protein forms P568A.
Identifiers: ClinVar variation 1908505 (VCV001908505.3), dbSNP rs1575058627, ClinGen allele CA350723186.
Genomic context (GRCh38, chr2:219,448,860, plus strand): 5'-GTGAGCCCCGCCGCCGCCCAGCCGCCCTCTCCGAGCAGCGCGGAGAAGCCGGGGGACGAG[C>G]CTGGGAGGCCCAGGAGCCGCGGGCCGGCGGGCAGGACAGAGCCGGGGGAAGGCCCGCAGC-3'
Protein context (NP_005867.3, residues 558-578): PSSAEKPGDE[Pro568Ala]GRPRSRGPAG

ClinVar aggregate classification (germline): Uncertain significance. Review status: criteria provided, multiple submitters, no conflicts (2 of 4 stars). 2 submissions from 2 submitters: Uncertain significance (2). Last evaluated 2025-09-03.

Submissions (2):

Women's Health and Genetics/Laboratory Corporation of America, LabCorp
Classification: Uncertain significance. Last evaluated: 2025-09-03. Review status: criteria provided, single submitter. Criteria: LabCorp Variant Classification Summary - May 2015. Collection method: clinical testing. Allele origin: germline.
Comment: Variant summary: SPEG c.1702C>G (p.Pro568Ala) results in a non-conservative amino acid change in the encoded protein sequence. Algorithms developed to predict the effect of missense changes on protein structure and function are either unavailable or do not agree on the potential impact of this missense change. The frequency data for this variant in gnomAD is considered unreliable, as metrics indicate poor data quality at this position. To our knowledge, no occurrence of c.1702C>G in individuals affected with SPEG-related conditions and no experimental evidence demonstrating its impact on protein function have been reported. ClinVar contains an entry for this variant (Variation ID: 1908505). Based on the evidence outlined above, the variant was classified as uncertain significance.

Labcorp Genetics (formerly Invitae), Labcorp
Classification: Uncertain significance. Last evaluated: 2021-08-02. Review status: criteria provided, single submitter. Criteria: Invitae Variant Classification Sherloc (09022015). Collection method: clinical testing. Allele origin: germline.
Comment: This sequence change replaces proline with alanine at codon 568 of the SPEG protein (p.Pro568Ala). The proline residue is moderately conserved and there is a small physicochemical difference between proline and alanine. The frequency data for this variant in the population databases is considered unreliable, as metrics indicate insufficient coverage at this position in the ExAC database. This variant has not been reported in the literature in individuals affected with SPEG-related conditions. Advanced modeling of protein sequence and biophysical properties (such as structural, functional, and spatial information, amino acid conservation, physicochemical variation, residue mobility, and thermodynamic stability) performed at Invitae indicates that this missense variant is expected to disrupt SPEG protein function. In summary, the available evidence is currently insufficient to determine the role of this variant in disease. Therefore, it has been classified as a Variant of Uncertain Significance.